The following is an entry in ClinVar:

NM_005618.4(DLL1):c.1A>G (p.Met1Val)

Gene: DLL1 (delta like canonical Notch ligand 1; minus strand). Cytogenetic location: 6q27.
Variant type: single nucleotide variant.
Coding change: c.1A>G on transcript NM_005618.4 (MANE Select); coding-DNA position 1, A replaced by G.
Protein change: p.Met1Val; changes the start codon (methionine 1).
Molecular consequence: missense variant, initiator codon variant.
Genome position (GRCh38, 1-based): chr6:170,290,139, T>C on the plus strand (A>G on the coding strand, the complement: DLL1 is on the minus strand). VCF-style: chr6-170290139-T-C. GRCh37 (hg19) VCF-style: chr6-170599227-T-C.
Other names: c.1A>G (NM_005618.3); short protein forms M1V.
Identifiers: ClinVar variation 3777167 (VCV003777167.1).

ClinVar aggregate classification (germline): Likely pathogenic (1 of 4 stars; one submission).

Conditions:
Neurodevelopmental disorder with nonspecific brain abnormalities and with or without seizures. Identifiers: MedGen C5231470, MONDO:0032877, OMIM 618709.

Submission:

University of Washington Department of Laboratory Medicine, University of Washington
Classification: Likely pathogenic for Neurodevelopmental disorder with nonspecific brain abnormalities and with or without seizures. Last evaluated: 2022-03-15. Review status: criteria provided, single submitter. Criteria: ACMG Guidelines, 2015. Collection method: clinical testing. Allele origin: de novo. Affected: yes.
Comment: This variant disrupts the translation initiation codon and may result in an abnormal or absent protein. These predictions have not been tested directly. Heterozygous loss of function leading to haploinsufficiency of the DLL1 gene is an established mechanism of disease. The p.Met1? variant was absent from large population databases, including the Genome Aggregation Database. Using ACMG guidelines, this variant was classified as likely pathogenic for autosomal dominant DLL1-related neurodevelopmental disorder (ACMG evidence codes used: PVS1_moderate, PS2, PM2_supporting).